The following is an entry in ClinVar:

ClinVar aggregate classification (germline): Uncertain significance. Review status: criteria provided, multiple submitters, no conflicts (2 of 4 stars). 2 submissions from 2 submitters: Uncertain significance (2). Last evaluated 2024-11-18.

Allele frequency attached by ClinVar (database versions not stated): gnomAD 0.00001; TOPMed 0.00001.
gnomAD v4.1: 34 of 1,614,064 alleles (0.0021%); highest among the groups gnomAD compares: Non-Finnish European, 0.0029%; no homozygotes.

Submissions (2):

Labcorp Genetics (formerly Invitae), Labcorp
Classification: Uncertain significance. Last evaluated: 2024-11-18. Review status: criteria provided, single submitter. Criteria: Invitae Variant Classification Sherloc (09022015). Collection method: clinical testing. Allele origin: germline.
Comment: This sequence change replaces arginine, which is basic and polar, with glycine, which is neutral and non-polar, at codon 2101 of the CPLANE1 protein (p.Arg2101Gly). This variant is present in population databases (rs201739330, gnomAD 0.002%). This variant has not been reported in the literature in individuals affected with CPLANE1-related conditions. ClinVar contains an entry for this variant (Variation ID: 2663459). Invitae Evidence Modeling of protein sequence and biophysical properties (such as structural, functional, and spatial information, amino acid conservation, physicochemical variation, residue mobility, and thermodynamic stability) indicates that this missense variant is not expected to disrupt CPLANE1 protein function with a negative predictive value of 95%. In summary, the available evidence is currently insufficient to determine the role of this variant in disease. Therefore, it has been classified as a Variant of Uncertain Significance.

GeneDx
Classification: Uncertain significance. Last evaluated: 2023-04-03. Review status: criteria provided, single submitter. Criteria: GeneDx Variant Classification Process June 2021. Collection method: clinical testing. Allele origin: germline. Affected: yes.
Comment: Not observed at significant frequency in large population cohorts (gnomAD); In silico analysis supports that this missense variant does not alter protein structure/function; Has not been previously published as pathogenic or benign to our knowledge

NM_001384732.1(CPLANE1):c.6301A>G (p.Arg2101Gly)

Gene: CPLANE1 (ciliogenesis and planar polarity effector complex subunit 1; minus strand). Cytogenetic location: 5p13.2.
Variant type: single nucleotide variant.
Coding change: c.6301A>G on transcript NM_001384732.1 (MANE Select); coding-DNA position 6301, A replaced by G.
Protein change: p.Arg2101Gly; replaces arginine 2101 with glycine.
Molecular consequence: missense variant.
Genome position (GRCh38, 1-based): chr5:37,170,202, T>C on the plus strand (A>G on the coding strand, the complement: CPLANE1 is on the minus strand). VCF-style: chr5-37170202-T-C. GRCh37 (hg19) VCF-style: chr5-37170304-T-C.
Other names: c.6301A>G, p.Arg2101Gly (NM_023073.4); short protein forms R2101G.
Identifiers: ClinVar variation 2663459 (VCV002663459.3), dbSNP rs201739330, ClinGen allele CA117055571.
Genomic context (GRCh38, chr5:37,170,202, plus strand): 5'-GTTTAATAAAAAATCTCTCCTTAAGATTTTTGTTGCTGTCTTCAACATCACCACATCCTC[T>C]TAGGTTTGATTCTTGGCTTTCCCCTAAATGCACAGACTGAGACTGCTGTACAAGTTGTTG-3'
Protein context (NP_001371661.1, residues 2091-2111): HLGESQESNL[Arg2101Gly]GCGDVEDSNK